The following is an entry in ClinVar:

NM_001160372.4(TRAPPC9):c.2671A>C (p.Thr891Pro)

Gene: TRAPPC9 (trafficking protein particle complex subunit 9; minus strand). Cytogenetic location: 8q24.3.
Variant type: single nucleotide variant.
Coding change: c.2671A>C on transcript NM_001160372.4 (MANE Select); coding-DNA position 2671, A replaced by C.
Protein change: p.Thr891Pro; replaces threonine 891 with proline.
Molecular consequence: missense variant. On other transcripts: non-coding transcript variant (1).
Genome position (GRCh38, 1-based): chr8:140,023,965, T>G on the plus strand (A>C on the coding strand, the complement: TRAPPC9 is on the minus strand). VCF-style: chr8-140023965-T-G. GRCh37 (hg19) VCF-style: chr8-141034062-T-G.
Other names: c.2644A>C, p.Thr882Pro (NM_001321646.2); c.2692A>C, p.Thr898Pro (NM_001374682.1); c.2671A>C, p.Thr891Pro (NM_001374683.1, NM_031466.8); c.2527A>C, p.Thr843Pro (NM_001374684.1); short protein forms T843P, T882P, T891P, T898P.
Identifiers: ClinVar variation 1193472 (VCV001193472.19), dbSNP rs562249191, ClinGen allele CA4893008.
Genomic context (GRCh38, chr8:140,023,965, plus strand): 5'-ACAAGACGGCTGTGCGGCAGGAAGACATTTACCTGGTTGCTGGGAGGGTGCTGACTCGGG[T>G]GAAAAATACAGACGGCTCGACTTCTACATGCAGCCCCAGGGAGAGATTCCTGTAATATCC-3'
Protein context (NP_001153844.1, residues 881-901): HVEVEPSVFF[Thr891Pro]RVSTLPATST

ClinVar aggregate classification (germline): Conflicting classifications of pathogenicity. Review status: criteria provided, conflicting classifications (1 of 4 stars). 7 submissions from 7 submitters: Uncertain significance (5); Likely benign (1). 1 of the submissions does not count toward it. Last evaluated 2024-11-08.

Conditions:
Inborn genetic diseases. Identifiers: MedGen C0950123, MeSH D030342.
Intellectual developmental disorder, autosomal recessive 13. Also called: Intellectual disability, autosomal recessive 13. Identifiers: Orphanet 88616, MedGen C2750791, MONDO:0013173, OMIM 613192.
TRAPPC9-related disorder. Also called: TRAPPC9-related condition.

Allele frequency attached by ClinVar (database versions not stated): ExAC 0.00024; 1000 Genomes Project 0.00040; TOPMed 0.00062; gnomAD 0.00066 and 0.00060; gnomAD exomes 0.00004 and 0.00015; 1000 Genomes Project 30x 0.00062.
gnomAD v4.1: 157 of 1,613,728 alleles (0.0097%); highest among the groups gnomAD compares: African/African-American, 0.16%; no homozygotes.

Submissions (7):

Ambry Genetics
Classification: Likely benign for Inborn genetic diseases. Last evaluated: 2024-11-08. Review status: criteria provided, single submitter. Criteria: Ambry Variant Classification Scheme 2023. Collection method: clinical testing. Allele origin: germline.

GeneDx
Classification: Uncertain significance. Last evaluated: 2023-05-18. Review status: criteria provided, single submitter. Criteria: GeneDx Variant Classification Process June 2021. Collection method: clinical testing. Allele origin: germline. Affected: yes.
Comment: In silico analysis supports that this missense variant has a deleterious effect on protein structure/function; Has not been previously published as pathogenic or benign to our knowledge

Labcorp Genetics (formerly Invitae), Labcorp
Classification: Uncertain significance. Last evaluated: 2022-10-14. Review status: criteria provided, single submitter. Criteria: Invitae Variant Classification Sherloc (09022015). Collection method: clinical testing. Allele origin: germline.
Comment: This sequence change replaces threonine, which is neutral and polar, with proline, which is neutral and non-polar, at codon 989 of the TRAPPC9 protein (p.Thr989Pro). This variant is present in population databases (rs562249191, gnomAD 0.2%). This variant has not been reported in the literature in individuals affected with TRAPPC9-related conditions. ClinVar contains an entry for this variant (Variation ID: 1193472). Algorithms developed to predict the effect of missense changes on protein structure and function are either unavailable or do not agree on the potential impact of this missense change (SIFT: "Not Available"; PolyPhen-2: "Probably Damaging"; Align-GVGD: "Not Available"). In summary, the available evidence is currently insufficient to determine the role of this variant in disease. Therefore, it has been classified as a Variant of Uncertain Significance.

Fulgent Genetics
Classification: Uncertain significance for Intellectual developmental disorder, autosomal recessive 13. Last evaluated: 2022-05-17. Review status: criteria provided, single submitter. Criteria: ACMG Guidelines, 2015. Collection method: clinical testing. Allele origin: unknown.

Genetic Services Laboratory, University of Chicago
Classification: Uncertain significance. Last evaluated: 2021-07-27. Review status: criteria provided, single submitter. Criteria: ACMG Guidelines, 2015. Collection method: clinical testing. Allele origin: germline. Affected: no.
Comment: DNA sequence analysis of the TRAPPC9 gene demonstrated a sequence change, c.2965A>C, in exon 18 that results in an amino acid change, p.Thr989Pro. This sequence change has been described in the gnomAD database with a frequency of 0.18% in the African/African-American subpopulation (dbSNP rs562249191). The p.Thr989Pro change affects a moderately conserved amino acid residue located in a domain of the TRAPPC9 protein that is known to be functional. In-silico pathogenicity prediction tools (SIFT, PolyPhen2, Align GVGD, REVEL) provide contradictory results for the p.Thr989Pro substitution. This sequence change does not appear to have been previously described in individuals with TRAPPC9-related disorders. Due to insufficient evidences and the lack of functional studies, the clinical significance of the p.Thr989Pro change remains unknown at this time.

Revvity Omics, Revvity
Classification: Uncertain significance for Intellectual developmental disorder, autosomal recessive 13. Last evaluated: 2020-04-18. Review status: criteria provided, single submitter. Criteria: ACMG Guidelines, 2015. Collection method: clinical testing. Allele origin: germline.

PreventionGenetics, part of Exact Sciences
Classification: Likely benign for TRAPPC9-related condition. Last evaluated: 2023-06-15. Review status: no assertion criteria provided. Collection method: clinical testing. Allele origin: germline. Not counted in ClinVar's aggregate classification.
Comment: This variant is classified as likely benign based on ACMG/AMP sequence variant interpretation guidelines (Richards et al. 2015 PMID: 25741868, with internal and published modifications).